The following is an entry in ClinVar:

NM_001134363.3(RBM20):c.1459G>A (p.Val487Met)

Gene: RBM20 (RNA binding motif protein 20; plus strand). Cytogenetic location: 10q25.2.
Variant type: single nucleotide variant.
Coding change: c.1459G>A on transcript NM_001134363.3 (MANE Select); coding-DNA position 1459, G replaced by A.
Protein change: p.Val487Met; replaces valine 487 with methionine.
Molecular consequence: missense variant.
Genome position (GRCh38, 1-based): chr10:110,784,821, G>A. VCF-style: chr10-110784821-G-A. GRCh37 (hg19) VCF-style: chr10-112544579-G-A.
Other names: short protein forms V487M.
Identifiers: ClinVar variation 43973 (VCV000043973.14), dbSNP rs397516595, ClinGen allele CA133273.

ClinVar aggregate classification (germline): Conflicting classifications of pathogenicity. Review status: criteria provided, conflicting classifications (1 of 4 stars). 3 submissions from 3 submitters: Uncertain significance (2); Likely benign (1). Last evaluated 2025-09-16.

Conditions:
Cardiovascular phenotype. Identifiers: MedGen CN230736.
Dilated cardiomyopathy 1DD (CMD1DD). Identifiers: Orphanet 154, MedGen C2750995, MONDO:0013168, OMIM 613172.

Allele frequency attached by ClinVar (database versions not stated): TOPMed 0.00002; ExAC 0.00005; gnomAD exomes 0.00001 and 0.00002; gnomAD 0.00002.
gnomAD v4.1: 29 of 1,550,728 alleles (0.0019%); highest among the groups gnomAD compares: South Asian, 0.0083%; no homozygotes.

Submissions (3):

Labcorp Genetics (formerly Invitae), Labcorp
Classification: Likely benign for Dilated cardiomyopathy 1DD. Last evaluated: 2025-09-16. Review status: criteria provided, single submitter. Criteria: Invitae Variant Classification Sherloc (09022015). Collection method: clinical testing. Allele origin: germline.

Ambry Genetics
Classification: Uncertain significance for Cardiovascular phenotype. Last evaluated: 2023-07-26. Review status: criteria provided, single submitter. Criteria: Ambry General Variant Classification Scheme_2022. Collection method: clinical testing. Allele origin: germline.
Comment: The p.V487M variant (also known as c.1459G>A), located in coding exon 5 of the RBM20 gene, results from a G to A substitution at nucleotide position 1459. The valine at codon 487 is replaced by methionine, an amino acid with highly similar properties. This variant has been detected in a pediatric dilated cardiomyopathy case; however details were limited (Pugh TJ et al. Genet Med, 2014 Aug;16:601-8). This amino acid position is poorly conserved in available vertebrate species. In addition, this alteration is predicted to be tolerated by in silico analysis. Since supporting evidence is limited at this time, the clinical significance of this alteration remains unclear.

Laboratory for Molecular Medicine, Mass General Brigham Personalized Medicine
Classification: Uncertain significance. Last evaluated: 2018-06-01. Review status: criteria provided, single submitter. Criteria: LMM Criteria. Collection method: clinical testing. Allele origin: germline. Observed: 1 variant allele.
Comment: proposed classification - variant undergoing re-assessment, contact laboratory

Literature cited by the submitters: PubMed 24503780 (cited by Ambry Genetics).